The following is an entry in ClinVar:

ClinVar aggregate classification (germline): Uncertain significance (1 of 4 stars; one submission).

Conditions:
Congenital disorder of glycosylation, type Ii. Also called: ALG2-congenital disorder of glycosylation; ALG2-CDG; CDG Ii. Identifiers: Orphanet 79326, MedGen C1842836, MONDO:0011933, OMIM 607906.
Congenital myasthenic syndrome 14. Also called: Myasthenic syndrome, congenital, 14, with tubular aggregates. Identifiers: Orphanet 353327, Orphanet 590, MedGen C4015597, MONDO:0014543, OMIM 616228.

Allele frequency attached by ClinVar (database versions not stated): gnomAD exomes below 0.00001.

Submission:

Labcorp Genetics (formerly Invitae), Labcorp
Classification: Uncertain significance for Congenital disorder of glycosylation, type Ii; Congenital myasthenic syndrome 14. Last evaluated: 2024-12-09. Review status: criteria provided, single submitter. Criteria: Invitae Variant Classification Sherloc (09022015). Collection method: clinical testing. Allele origin: germline.
Comment: This sequence change replaces histidine, which is basic and polar, with arginine, which is basic and polar, at codon 280 of the ALG2 protein (p.His280Arg). This variant is not present in population databases (gnomAD no frequency). This variant has not been reported in the literature in individuals affected with ALG2-related conditions. ClinVar contains an entry for this variant (Variation ID: 1411867). An algorithm developed to predict the effect of missense changes on protein structure and function (PolyPhen-2) suggests that this variant is likely to be disruptive. In summary, the available evidence is currently insufficient to determine the role of this variant in disease. Therefore, it has been classified as a Variant of Uncertain Significance.

NM_033087.4(ALG2):c.839A>G (p.His280Arg)

Gene: ALG2 (ALG2 alpha-1,3/1,6-mannosyltransferase; minus strand). Cytogenetic location: 9q22.33.
Variant type: single nucleotide variant.
Coding change: c.839A>G on transcript NM_033087.4 (MANE Select); coding-DNA position 839, A replaced by G.
Protein change: p.His280Arg; replaces histidine 280 with arginine.
Molecular consequence: missense variant. On other transcripts: non-coding transcript variant (1).
Genome position (GRCh38, 1-based): chr9:99,218,346, T>C on the plus strand (A>G on the coding strand, the complement: ALG2 is on the minus strand). VCF-style: chr9-99218346-T-C. GRCh37 (hg19) VCF-style: chr9-101980628-T-C.
Other names: short protein forms H280R.
Identifiers: ClinVar variation 1411867 (VCV001411867.6), dbSNP rs2118998777, ClinGen allele CA374227362.